The following is an entry in ClinVar:

NM_000219.6(KCNE1):c.357C>T (p.Asn119=)

Gene: KCNE1 (potassium voltage-gated channel subfamily E regulatory subunit 1; minus strand). Cytogenetic location: 21q22.12.
Variant type: single nucleotide variant.
Coding change: c.357C>T on transcript NM_000219.6 (MANE Select); coding-DNA position 357, C replaced by T.
Protein change: p.Asn119=; no amino-acid change (asparagine 119 retained).
Molecular consequence: synonymous variant.
Genome position (GRCh38, 1-based): chr21:34,449,278, G>A on the plus strand (C>T on the coding strand, the complement: KCNE1 is on the minus strand). VCF-style: chr21-34449278-G-A. GRCh37 (hg19) VCF-style: chr21-35821576-G-A.
Other names: c.357C>T, p.Asn119= (NM_001127668.4, NM_001127669.4, NM_001127670.4 and 4 more transcripts).
Identifiers: ClinVar variation 3373802 (VCV003373802.2).

Conditions:
Long QT syndrome 5 (LQT5). Identifiers: Orphanet 101016, Orphanet 768, MedGen C1867904, MONDO:0013372, OMIM 613695.

Submission:

Roden Lab, Vanderbilt University Medical Center
No classification provided (evidence only). Condition: Long QT syndrome 5. Review status: no classification provided. Collection method: in vitro. Allele origin: not applicable. Functional consequence: Effect on ion channel function.
ClinVar note: "not provided" was previously submitted as the classification for the variant. However, the classification appeared to be based only on an observation of functional data so it was converted to no classification on 2025-07-30.